The following is an entry in ClinVar:

NM_001110219.3(GJB6):c.323G>A (p.Arg108Gln)

Gene: GJB6 (gap junction protein beta 6; minus strand). Cytogenetic location: 13q12.11.
Variant type: single nucleotide variant.
Coding change: c.323G>A on transcript NM_001110219.3 (MANE Select); coding-DNA position 323, G replaced by A.
Protein change: p.Arg108Gln; replaces arginine 108 with glutamine.
Molecular consequence: missense variant.
Genome position (GRCh38, 1-based): chr13:20,223,158, C>T on the plus strand (G>A on the coding strand, the complement: GJB6 is on the minus strand). VCF-style: chr13-20223158-C-T. GRCh37 (hg19) VCF-style: chr13-20797297-C-T.
Other names: c.323G>A, p.Arg108Gln (NM_001110220.3, NM_001110221.3, NM_001370090.1 and 3 more transcripts); short protein forms R108Q.
Identifiers: ClinVar variation 1308146 (VCV001308146.8), dbSNP rs771412904, ClinGen allele CA6904463.

ClinVar aggregate classification (germline): Uncertain significance. Review status: criteria provided, multiple submitters, no conflicts (2 of 4 stars). 3 submissions from 3 submitters: Uncertain significance (3). Last evaluated 2024-12-25.

Conditions:
Autosomal dominant nonsyndromic hearing loss 3B. Identifiers: Orphanet 90635, MedGen C2675237, MONDO:0012975, OMIM 612643.
Autosomal recessive nonsyndromic hearing loss 1A (DFNB1A). Also called: Nonsyndromic Hearing Loss and Deafness, DFNB1; GJB6-Related DFNB 1 Nonsyndromic Hearing Loss and Deafness; Deafness, autosomal recessive 1A; Connexin 26 deafness; Deafness nonsyndromic, Connexin 26 linked; GJB2-Related Autosomal Recessive Nonsyndromic Hearing Loss. Identifiers: Orphanet 90636, MedGen C2673759, MONDO:0009076, OMIM 220290.
Autosomal recessive nonsyndromic hearing loss 1B. Also called: DEAFNESS, AUTOSOMAL RECESSIVE 1B. Identifiers: Orphanet 90636, MedGen C2675235, MONDO:0012977, OMIM 612645.
Hidrotic ectodermal dysplasia syndrome (GJB6). Also called: Clouston syndrome; Clouston's hidrotic ectodermal dysplasia; CLOUSTON HIDROTIC ECTODERMAL DYSPLASIA; Ectodermal dysplasia 2, hidrotic; Autosomal dominant hidrotic ectodermal dysplasia; ECTODERMAL DYSPLASIA 2, CLOUSTON TYPE. Identifiers: Orphanet 189, MedGen C0162361, MONDO:0007510, OMIM 129500.

Allele frequency attached by ClinVar (database versions not stated): gnomAD exomes 0.00002 and 0.00003; TOPMed 0.00007; gnomAD 0.00004; ExAC 0.00003.

Submissions (3):

Labcorp Genetics (formerly Invitae), Labcorp
Classification: Uncertain significance for Autosomal dominant nonsyndromic hearing loss 3B; Hidrotic ectodermal dysplasia syndrome; Autosomal recessive nonsyndromic hearing loss 1B; Autosomal recessive nonsyndromic hearing loss 1A. Last evaluated: 2024-12-25. Review status: criteria provided, single submitter. Criteria: Invitae Variant Classification Sherloc (09022015). Collection method: clinical testing. Allele origin: germline.
Comment: This sequence change replaces arginine, which is basic and polar, with glutamine, which is neutral and polar, at codon 108 of the GJB6 protein (p.Arg108Gln). This variant is present in population databases (rs771412904, gnomAD 0.006%). This variant has not been reported in the literature in individuals affected with GJB6-related conditions. ClinVar contains an entry for this variant (Variation ID: 1308146). Invitae Evidence Modeling of protein sequence and biophysical properties (such as structural, functional, and spatial information, amino acid conservation, physicochemical variation, residue mobility, and thermodynamic stability) indicates that this missense variant is not expected to disrupt GJB6 protein function with a negative predictive value of 80%. In summary, the available evidence is currently insufficient to determine the role of this variant in disease. Therefore, it has been classified as a Variant of Uncertain Significance.

Revvity Omics, Revvity
Classification: Uncertain significance. Last evaluated: 2023-03-13. Review status: criteria provided, single submitter. Criteria: ACMG Guidelines, 2015. Collection method: clinical testing. Allele origin: germline.

GeneDx
Classification: Uncertain significance. Last evaluated: 2019-08-23. Review status: criteria provided, single submitter. Criteria: GeneDx Variant Classification Process June 2021. Collection method: clinical testing. Allele origin: germline. Affected: yes.
Comment: The majority of missense variants in this gene are considered pathogenic (Stenson et al., 2014); In silico analysis, which includes protein predictors and evolutionary conservation, supports that this variant does not alter protein structure/function; Has not been previously published as pathogenic or benign to our knowledge